The following is an entry in ClinVar:

ClinVar aggregate classification (germline): Uncertain significance (1 of 4 stars; one submission).

Conditions:
Hereditary insensitivity to pain with anhidrosis (CIPA). Also called: INSENSITIVITY TO PAIN, CONGENITAL, WITH ANHIDROSIS; FAMILIAL DYSAUTONOMIA, TYPE II; NEUROPATHY, CONGENITAL SENSORY, WITH ANHIDROSIS; HSAN Type IV; hereditary sensory and autonomic neuropathy type 4; NTRK1 Congenital Insensitivity to Pain with Anhidrosis. Identifiers: Orphanet 642, MedGen C0020074, MONDO:0009746, OMIM 256800.

gnomAD v4.1: 1 of 1,613,868 alleles (0.000062%); highest among the groups gnomAD compares: Non-Finnish European, 0.000085%; no homozygotes.

Submission:

Medical Molecular Genetics, National Research Centre
Classification: Uncertain significance for Hereditary insensitivity to pain with anhidrosis. Last evaluated: 2026-04-28. Review status: criteria provided, single submitter. Criteria: ACMG Guidelines, 2015. Collection method: research. Allele origin: inherited. Affected: yes.
Comment: The p.(Trp158Cys) variant results in the substitution of tryptophan by cysteine at codon 158 of the NTRK1 protein. This amino acid change may affect protein stability and function.

NM_002529.4(NTRK1):c.474G>C (p.Trp158Cys)

Gene: NTRK1 (neurotrophic receptor tyrosine kinase 1; plus strand). Cytogenetic location: 1q23.1.
Variant type: single nucleotide variant.
Coding change: c.474G>C on transcript NM_002529.4 (MANE Select); coding-DNA position 474, G replaced by C.
Protein change: p.Trp158Cys; replaces tryptophan 158 with cysteine.
Molecular consequence: missense variant.
Genome position (GRCh38, 1-based): chr1:156,868,149, G>C. VCF-style: chr1-156868149-G-C. GRCh37 (hg19) VCF-style: chr1-156837941-G-C.
Other names: c.384G>C, p.Trp128Cys (NM_001007792.1); c.474G>C, p.Trp158Cys (NM_001012331.2); short protein forms W128C, W158C.
Identifiers: ClinVar variation 4852846 (VCV004852846.1).